The following is an entry in ClinVar:

ClinVar aggregate classification (germline): Benign (3 of 4 stars; one submission).

Conditions:
Breast-ovarian cancer, familial, susceptibility to, 2 (BROVCA2). Also called: BRCA2 Hereditary Breast and Ovarian Cancer. Identifiers: Orphanet 145, MedGen C2675520, MONDO:0012933, OMIM 612555. Disease mechanism: loss of function.

Allele frequency attached by ClinVar (database versions not stated): gnomAD 0.03693 and 0.04094; TOPMed 0.04226; 1000 Genomes Project 0.07348; 1000 Genomes Project 30x 0.07402.
gnomAD v4.1: 6,236 of 152,278 alleles (4.1%); highest among the groups gnomAD compares: South Asian, 11%; 218 homozygotes.

Submission:

Evidence-based Network for the Interpretation of Germline Mutant Alleles (ENIGMA)
Classification: Benign for Breast-ovarian cancer, familial 2. Last evaluated: 2015-01-12. Review status: reviewed by expert panel. Criteria: ENIGMA BRCA1/2 Classification Criteria (2015). Collection method: curation. Allele origin: germline.
Comment: Class 1 not pathogenic based on frequency >1% in an outbred sampleset. Frequency 0.1031 (Asian), 0.01423 (African), 0.03694 (European), derived from 1000 genomes (2012-04-30).

NM_000059.4(BRCA2):c.1910-346T>G

Gene: BRCA2 (BRCA2 DNA repair associated; plus strand). Cytogenetic location: 13q13.1.
Variant type: single nucleotide variant.
Coding change: c.1910-346T>G on transcript NM_000059.4 (MANE Select); 346 bases into the intron before coding-DNA position 1910, T replaced by G.
Molecular consequence: intron variant.
Genome position (GRCh38, 1-based): chr13:32,335,919, T>G. VCF-style: chr13-32335919-T-G. GRCh37 (hg19) VCF-style: chr13-32910056-T-G.
Other names: IVS 10-346T>G.
Identifiers: ClinVar variation 209685 (VCV000209685.1), dbSNP rs11571650, ClinGen allele CA276654.